The following is an entry in ClinVar:

NM_000344.4(SMN1):c.834+1G>A

Gene: SMN1 (survival of motor neuron 1, telomeric). Cytogenetic location: 5q13.2.
Variant type: single nucleotide variant.
Coding change: c.834+1G>A on transcript NM_000344.4 (MANE Select); the canonical splice donor site of the intron after coding-DNA position 834, G replaced by A.
Molecular consequence: splice donor variant.
Genome position (GRCh38, 1-based): chr5:70,946,177, G>A. VCF-style: chr5-70946177-G-A. GRCh37 (hg19) VCF-style: chr5-70242004-G-A.
Other names: c.834+1G>A (NM_001297715.1); c.738+1G>A (NM_022874.2).
Identifiers: ClinVar variation 3571502 (VCV003571502.1).

ClinVar aggregate classification (germline): Likely pathogenic (1 of 4 stars; one submission).

Submission:

Athena Diagnostics
Classification: Likely pathogenic. Last evaluated: 2024-07-31. Review status: criteria provided, single submitter. Criteria: Athena Diagnostics Criteria. Collection method: clinical testing. Allele origin: unknown.
Comment: This variant is expected to maintain the transcript reading frame. However, it disrupts a critical region of the protein, and therefore, is expected to severely disrupt its function. Frequency data for this variant in the general population cannot be distinguished from that of the SMN2 gene, and is therefore uninformative in assessment of variant pathogenicity (Genome Aggregation Database (gnomAD), Cambridge, MA (URL)).